The following is an entry in ClinVar:

ClinVar aggregate classification (germline): Uncertain significance (1 of 4 stars; one submission).

Conditions:
Hereditary cancer-predisposing syndrome. Also called: Tumor predisposition; Hereditary Cancer Syndrome; Hereditary neoplastic syndrome; Neoplastic Syndromes, Hereditary. Identifiers: Orphanet 140162, MedGen C0027672, MeSH D009386, MONDO:0015356.

gnomAD v4.1: 1 of 1,614,168 alleles (0.000062%); highest among the groups gnomAD compares: South Asian, 0.0011%; no homozygotes.

Submission:

Ambry Genetics
Classification: Uncertain significance for Hereditary cancer-predisposing syndrome. Last evaluated: 2024-05-05. Review status: criteria provided, single submitter. Criteria: Ambry Variant Classification Scheme 2023. Collection method: clinical testing. Allele origin: germline.
Comment: The p.S415C variant (also known as c.1244C>G), located in coding exon 5 of the ALK gene, results from a C to G substitution at nucleotide position 1244. The serine at codon 415 is replaced by cysteine, an amino acid with dissimilar properties. This amino acid position is conserved. In addition, this alteration is predicted to be tolerated by in silico analysis. Based on the available evidence, the clinical significance of this variant remains unclear.

NM_004304.5(ALK):c.1244C>G (p.Ser415Cys)

Gene: ALK (ALK receptor tyrosine kinase; minus strand). Cytogenetic location: 2p23.2.
Variant type: single nucleotide variant.
Coding change: c.1244C>G on transcript NM_004304.5 (MANE Select); coding-DNA position 1244, C replaced by G.
Protein change: p.Ser415Cys; replaces serine 415 with cysteine.
Molecular consequence: missense variant.
Genome position (GRCh38, 1-based): chr2:29,383,770, G>C on the plus strand (C>G on the coding strand, the complement: ALK is on the minus strand). VCF-style: chr2-29383770-G-C. GRCh37 (hg19) VCF-style: chr2-29606636-G-C.
Other names: short protein forms S415C.
Identifiers: ClinVar variation 3286135 (VCV003286135.1).